The following is an entry in ClinVar:

ClinVar aggregate classification (germline): Uncertain significance (1 of 4 stars; one submission).

Conditions:
Cardiovascular phenotype. Identifiers: MedGen CN230736.

gnomAD v4.1: 1 of 1,613,550 alleles (0.000062%); highest among the groups gnomAD compares: Non-Finnish European, 0.000085%; no homozygotes.

Submission:

Ambry Genetics
Classification: Uncertain significance for Cardiovascular phenotype. Last evaluated: 2026-02-03. Review status: criteria provided, single submitter. Criteria: Ambry Variant Classification Scheme 2023. Collection method: clinical testing. Allele origin: germline.
Comment: The c.3285G>A variant (also known as p.K1095K), located in coding exon 15 of the MYPN gene, results from a G to A substitution at nucleotide position 3285. This nucleotide substitution does not change the amino acid at codon 1095. However, this change occurs in the last base pair of coding exon 15, which makes it likely to have some effect on normal mRNA splicing. This nucleotide position is highly conserved in available vertebrate species. In silico splice site analysis predicts that this alteration will weaken the native splice donor site. Based on the available evidence, the clinical significance of this variant remains unclear.

NM_032578.4(MYPN):c.3285G>A (p.Lys1095=)

Gene: MYPN (myopalladin; plus strand). Cytogenetic location: 10q21.3.
Variant type: single nucleotide variant.
Coding change: c.3285G>A on transcript NM_032578.4 (MANE Select); coding-DNA position 3285, G replaced by A.
Protein change: p.Lys1095=; no amino-acid change (lysine 1095 retained).
Molecular consequence: synonymous variant. On other transcripts: non-coding transcript variant (2).
Genome position (GRCh38, 1-based): chr10:68,197,478, G>A. VCF-style: chr10-68197478-G-A. GRCh37 (hg19) VCF-style: chr10-69957235-G-A.
Other names: c.3285G>A, p.Lys1095= (NM_001256267.2); c.2403G>A, p.Lys801= (NM_001256268.2).
Identifiers: ClinVar variation 4844789 (VCV004844789.1).